The following is an entry in ClinVar:

NM_003124.5(SPR):c.616C>T (p.Gln206Ter)

Gene: SPR (sepiapterin reductase; plus strand). Cytogenetic location: 2p13.2.
Variant type: single nucleotide variant.
Coding change: c.616C>T on transcript NM_003124.5 (MANE Select); coding-DNA position 616, C replaced by T.
Protein change: p.Gln206Ter; replaces glutamine 206 with a stop codon.
Molecular consequence: nonsense.
Genome position (GRCh38, 1-based): chr2:72,891,367, C>T. VCF-style: chr2-72891367-C-T. GRCh37 (hg19) VCF-style: chr2-73118496-C-T.
Other names: short protein forms Q206*.
Identifiers: ClinVar variation 2436316 (VCV002436316.7), dbSNP rs1030979700, ClinGen allele CA49798482.

ClinVar aggregate classification (germline): Conflicting classifications of pathogenicity. Review status: criteria provided, conflicting classifications (1 of 4 stars). 2 submissions from 2 submitters: Pathogenic (1); Uncertain significance (1). Last evaluated 2023-09-22.

Conditions:
Dopa-responsive dystonia due to sepiapterin reductase deficiency. Also called: DYT-SPR; SPR DEFICIENCY; Sepiapterin reductase deficiency. Identifiers: Orphanet 70594, MedGen C0268468, MONDO:0012994, OMIM 612716.
Dystonic disorder. Also called: Dystonia. Identifiers: MedGen C0013421, MONDO:0003441, HP:0001332.

Allele frequency attached by ClinVar (database versions not stated): gnomAD 0.00001; TOPMed 0.00001.

Submissions (2):

Labcorp Genetics (formerly Invitae), Labcorp
Classification: Pathogenic for Dystonic disorder. Last evaluated: 2023-09-22. Review status: criteria provided, single submitter. Criteria: Invitae Variant Classification Sherloc (09022015). Collection method: clinical testing. Allele origin: germline.
Comment: For these reasons, this variant has been classified as Pathogenic. This variant disrupts a region of the SPR protein in which other variant(s) (p.Lys251*) have been determined to be pathogenic (PMID: 16917893, 18502672, 21431957, 21677200, 24212389, 25763508, 29116116). This suggests that this is a clinically significant region of the protein, and that variants that disrupt it are likely to be disease-causing. ClinVar contains an entry for this variant (Variation ID: 2436316). This variant has not been reported in the literature in individuals affected with SPR-related conditions. This variant is not present in population databases (gnomAD no frequency). This sequence change creates a premature translational stop signal (p.Gln206*) in the SPR gene. While this is not anticipated to result in nonsense mediated decay, it is expected to disrupt the last 56 amino acid(s) of the SPR protein.

Revvity Omics, Revvity
Classification: Uncertain significance for Dopa-responsive dystonia due to sepiapterin reductase deficiency. Last evaluated: 2022-08-09. Review status: criteria provided, single submitter. Criteria: ACMG Guidelines, 2015. Collection method: clinical testing. Allele origin: germline.

Literature cited by the submitters: PubMed 16917893 (cited by Labcorp Genetics (formerly Invitae), Labcorp); PubMed 18502672 (cited by Labcorp Genetics (formerly Invitae), Labcorp); PubMed 21431957 (cited by Labcorp Genetics (formerly Invitae), Labcorp); PubMed 21677200 (cited by Labcorp Genetics (formerly Invitae), Labcorp); PubMed 24212389 (cited by Labcorp Genetics (formerly Invitae), Labcorp); PubMed 25763508 (cited by Labcorp Genetics (formerly Invitae), Labcorp); PubMed 29116116 (cited by Labcorp Genetics (formerly Invitae), Labcorp).